The following is an entry in ClinVar:

NM_006308.3(HSPB3):c.*6dup

Gene: HSPB3 (heat shock protein family B (small) member 3; plus strand). Cytogenetic location: 5q11.2.
Variant type: Duplication.
Coding change: c.*6dup on transcript NM_006308.3 (MANE Select); 6 bases downstream of the stop codon, one base duplicated (T; older notation c.*6dupT).
Molecular consequence: 3 prime UTR variant.
Genome position (GRCh38, 1-based): chr5:54,456,248, T duplicated. VCF-style (leftmost placement, unchanged base first): chr5-54456247-G-GT. GRCh37 (hg19) VCF-style: chr5-53752077-G-GT.
Other names: c.*6dupT (NM_006308.3).
Identifiers: ClinVar variation 3896503 (VCV003896503.2).

ClinVar aggregate classification (germline): Uncertain significance (1 of 4 stars; one submission).

Submission:

Women's Health and Genetics/Laboratory Corporation of America, LabCorp
Classification: Uncertain significance. Last evaluated: 2025-04-03. Review status: criteria provided, single submitter. Criteria: LabCorp Variant Classification Summary - May 2015. Collection method: clinical testing. Allele origin: germline.
Comment: Variant summary: HSPB3 c.*6dupT is located in the untranslated mRNA region downstream of the termination codon. The variant was absent in 249892 control chromosomes. The available data on variant occurrences in the general population are insufficient to allow any conclusion about variant significance. To our knowledge, no occurrence of c.*6dupT in individuals affected with Neuronopathy, distal hereditary motor, type 2C and no experimental evidence demonstrating its impact on protein function have been reported. No submitters have cited clinical-significance assessments for this variant to ClinVar. Based on the evidence outlined above, the variant was classified as uncertain significance.